The following is an entry in ClinVar:

ClinVar aggregate classification (germline): Uncertain significance (1 of 4 stars; one submission).

Conditions:
Hereditary cancer-predisposing syndrome. Also called: Tumor predisposition; Hereditary Cancer Syndrome; Hereditary neoplastic syndrome; Neoplastic Syndromes, Hereditary. Identifiers: Orphanet 140162, MedGen C0027672, MeSH D009386, MONDO:0015356.

Submission:

Ambry Genetics
Classification: Uncertain significance for Hereditary cancer-predisposing syndrome. Last evaluated: 2023-08-03. Review status: criteria provided, single submitter. Criteria: Ambry Variant Classification Scheme 2023. Collection method: clinical testing. Allele origin: germline.
Comment: The p.N447S variant (also known as c.1340A>G), located in coding exon 8 of the BRIP1 gene, results from an A to G substitution at nucleotide position 1340. The asparagine at codon 447 is replaced by serine, an amino acid with highly similar properties. This amino acid position is highly conserved in available vertebrate species. In addition, this alteration is predicted to be tolerated by in silico analysis. Since supporting evidence is limited at this time, the clinical significance of this alteration remains unclear.

NM_032043.3(BRIP1):c.1340A>G (p.Asn447Ser)

Gene: BRIP1 (BRCA1 interacting DNA helicase 1; minus strand). Cytogenetic location: 17q23.2.
Variant type: single nucleotide variant.
Coding change: c.1340A>G on transcript NM_032043.3 (MANE Select); coding-DNA position 1340, A replaced by G.
Protein change: p.Asn447Ser; replaces asparagine 447 with serine.
Molecular consequence: missense variant.
Genome position (GRCh38, 1-based): chr17:61,799,100, T>C on the plus strand (A>G on the coding strand, the complement: BRIP1 is on the minus strand). VCF-style: chr17-61799100-T-C. GRCh37 (hg19) VCF-style: chr17-59876461-T-C.
Other names: short protein forms N447S.
Identifiers: ClinVar variation 2626389 (VCV002626389.2), dbSNP rs1603342134, ClinGen allele CA400483272.